The following is an entry in ClinVar:

NC_000006.11:g.(?_64472344)_(64472536_?)dup

Gene: EYS (eyes shut homolog; minus strand). Cytogenetic location: 6q12.
Variant type: Duplication.
Identifiers: ClinVar variation 2423851 (VCV002423851.4).

ClinVar aggregate classification (germline): Likely pathogenic (1 of 4 stars; one submission).

Submission:

Labcorp Genetics (formerly Invitae), Labcorp
Classification: Likely pathogenic. Last evaluated: 2021-11-18. Review status: criteria provided, single submitter. Criteria: Invitae Variant Classification Sherloc (09022015). Collection method: clinical testing. Allele origin: germline.
Comment: In summary, the currently available evidence indicates that the variant is pathogenic, but additional data are needed to prove that conclusively. Therefore, this variant has been classified as Likely Pathogenic. This variant has not been reported in the literature in individuals affected with EYS-related conditions. This variant results in a copy number gain of the genomic region encompassing exon(s) 41 of the EYS gene. While the exact position of this variant cannot be determined from the data, sub-genic copy number gains are generally in tandem (PMID: 25640679). This variant is predicted to be out-of-frame, and may result in an absent or disrupted protein product. Loss-of-function variants in EYS are known to be pathogenic (PMID: 18836446, 20333770).

Literature cited by the submitters: PubMed 25640679; PubMed 18836446; PubMed 20333770.